The following is an entry in ClinVar:

ClinVar aggregate classification (germline): Uncertain significance (1 of 4 stars; one submission).

Conditions:
Inborn genetic diseases. Identifiers: MedGen C0950123, MeSH D030342.

Submission:

Ambry Genetics
Classification: Uncertain significance for Inborn genetic diseases. Last evaluated: 2025-05-02. Review status: criteria provided, single submitter. Criteria: Ambry Variant Classification Scheme 2023. Collection method: clinical testing. Allele origin: germline.
Comment: The p.C1141R variant (also known as c.3421T>C), located in coding exon 1 of the SAMD9L gene, results from a T to C substitution at nucleotide position 3421. The cysteine at codon 1141 is replaced by arginine, an amino acid with highly dissimilar properties. This amino acid position is conserved. In addition, this alteration is predicted to be tolerated by in silico analysis. Based on the available evidence, the clinical significance of this variant remains unclear.

NM_152703.5(SAMD9L):c.3421T>C (p.Cys1141Arg)

Gene: SAMD9L (sterile alpha motif domain containing 9 like; minus strand). Cytogenetic location: 7q21.2.
Variant type: single nucleotide variant.
Coding change: c.3421T>C on transcript NM_152703.5 (MANE Select); coding-DNA position 3421, T replaced by C.
Protein change: p.Cys1141Arg; replaces cysteine 1141 with arginine.
Molecular consequence: missense variant.
Genome position (GRCh38, 1-based): chr7:93,132,551, A>G on the plus strand (T>C on the coding strand, the complement: SAMD9L is on the minus strand). VCF-style: chr7-93132551-A-G. GRCh37 (hg19) VCF-style: chr7-92761864-A-G.
Other names: c.3421T>C, p.Cys1141Arg (NM_001303496.3, NM_001303497.3, NM_001303498.3 and 5 more transcripts); short protein forms C1141R.
Identifiers: ClinVar variation 3949894 (VCV003949894.1).
Genomic context (GRCh38, chr7:93,132,551, plus strand): 5'-TTGAGGCTTTTTCCGCAGCTTCTAGGAGATGTGTTAGGTCATTAACAGTAATGCTCCTAC[A>G]GTTTTTGTTCCCATCCAACCACCATTTGATTTCACTTTTGTAGACTTGACCTAGTGTATC-3'
Protein context (NP_689916.2, residues 1131-1151): IKWWLDGNKN[Cys1141Arg]RSITVNDLTH